The following is an entry in ClinVar:

ClinVar aggregate classification (germline): Uncertain significance (1 of 4 stars; one submission).

Conditions:
Inborn genetic diseases. Identifiers: MedGen C0950123, MeSH D030342.

Submission:

Ambry Genetics
Classification: Uncertain significance for Inborn genetic diseases. Last evaluated: 2023-03-22. Review status: criteria provided, single submitter. Criteria: Ambry Variant Classification Scheme 2023. Collection method: clinical testing. Allele origin: germline.
Comment: The p.Y488D variant (also known as c.1462T>G), located in coding exon 11 of the EPAS1 gene, results from a T to G substitution at nucleotide position 1462. The tyrosine at codon 488 is replaced by aspartic acid, an amino acid with highly dissimilar properties. This amino acid position is conserved. In addition, this alteration is predicted to be deleterious by in silico analysis. Since supporting evidence is limited at this time, the clinical significance of this alteration remains unclear.

NM_001430.5(EPAS1):c.1462T>G (p.Tyr488Asp)

Gene: EPAS1 (endothelial PAS domain protein 1; plus strand). Cytogenetic location: 2p21.
Variant type: single nucleotide variant.
Coding change: c.1462T>G on transcript NM_001430.5 (MANE Select); coding-DNA position 1462, T replaced by G.
Protein change: p.Tyr488Asp; replaces tyrosine 488 with aspartic acid.
Molecular consequence: missense variant.
Genome position (GRCh38, 1-based): chr2:46,378,675, T>G. VCF-style: chr2-46378675-T-G. GRCh37 (hg19) VCF-style: chr2-46605814-T-G.
Other names: short protein forms Y488D.
Identifiers: ClinVar variation 2565037 (VCV002565037.2), dbSNP rs1210456029, ClinGen allele CA346704155.